The following is an entry in ClinVar:

ClinVar aggregate classification (germline): Uncertain significance (1 of 4 stars; one submission).

Submission:

GeneDx
Classification: Uncertain significance. Last evaluated: 2022-09-12. Review status: criteria provided, single submitter. Criteria: GeneDx Variant Classification Process June 2021. Collection method: clinical testing. Allele origin: germline. Affected: yes.
Comment: Not observed at significant frequency in large population cohorts (gnomAD); In silico analysis supports that this missense variant has a deleterious effect on protein structure/function; Has not been previously published as pathogenic or benign to our knowledge

NM_000352.6(ABCC8):c.647G>C (p.Arg216Pro)

Gene: ABCC8 (ATP binding cassette subfamily C member 8; minus strand). Cytogenetic location: 11p15.1.
Variant type: single nucleotide variant.
Coding change: c.647G>C on transcript NM_000352.6 (MANE Select); coding-DNA position 647, G replaced by C.
Protein change: p.Arg216Pro; replaces arginine 216 with proline.
Molecular consequence: missense variant. On other transcripts: non-coding transcript variant (1).
Genome position (GRCh38, 1-based): chr11:17,461,758, C>G on the plus strand (G>C on the coding strand, the complement: ABCC8 is on the minus strand). VCF-style: chr11-17461758-C-G. GRCh37 (hg19) VCF-style: chr11-17483305-C-G.
Other names: c.647G>C, p.Arg216Pro (NM_001287174.3, NM_001351295.2, NM_001351296.2 and 1 more transcripts); short protein forms R216P.
Identifiers: ClinVar variation 2443490 (VCV002443490.1), dbSNP rs199702708, ClinGen allele CA379778886.
Genomic context (GRCh38, chr11:17,461,758, plus strand): 5'-AAGGCGTTCATCCACCAGTAGGTGCCTTTGGACAGCAGATTCACGAAGGGCTGCAGGAAG[C>G]GTACCCCCAGGTCTTGCAGGTCCTCGGGAGGCTTCACCTCCCTCGGTGTCTTGAAGAAGA-3'
Protein context (NP_000343.2, residues 206-226): PPEDLQDLGV[Arg216Pro]FLQPFVNLLS